The following is an entry in ClinVar:

NM_019842.4(KCNQ5):c.68CGG[6] (p.Ala27dup)

Genes: KCNQ5 (potassium voltage-gated channel subfamily Q member 5; plus strand), KCNQ5-DT (KCNQ5 divergent transcript; minus strand), LOC129996711 (ATAC-STARR-seq lymphoblastoid silent region 17329; plus strand). Cytogenetic location: 6q13.
Variant type: Microsatellite.
Coding change: c.68CGG[6] on transcript NM_019842.4 (MANE Select); six copies in a row of the 3-base unit CGG starting at c.68; the reference has five copies in a row; one copy, 3 bases duplicated.
Protein change: p.Ala27dup; duplicates alanine 27.
Molecular consequence: inframe insertion.
Genome position (GRCh38, 1-based): chr6:72,622,269-72,622,271, CGG duplicated; duplicating any 3 consecutive bases within chr6:72,622,256-72,622,271 gives the same sequence; the position shown is the placement nearest the transcript's 3' end. VCF-style (leftmost placement, unchanged base first): chr6-72622255-A-AGCG. GRCh37 (hg19) VCF-style: chr6-73331983-A-AGCG.
Other names: c.68CGG[6], p.Ala27dup (NM_001160130.2, NM_001160132.2, NM_001160133.2 and 1 more transcripts); c.80_82dupCGG (NM_001160133.1).
Identifiers: ClinVar variation 1651986 (VCV001651986.13), dbSNP rs568022266, ClinGen allele CA451115355.

ClinVar aggregate classification (germline): Likely benign. Review status: criteria provided, multiple submitters, no conflicts (2 of 4 stars). 4 submissions from 4 submitters: Likely benign (3). 1 of the submissions does not count toward it. Last evaluated 2026-08-01.

Conditions:
KCNQ5-related disorder. Also called: KCNQ5-related condition.

Submissions (4):

CeGaT Center for Human Genetics Tuebingen
Classification: Likely benign. Last evaluated: 2026-08-01. Review status: criteria provided, single submitter. Criteria: CeGaT Center For Human Genetics Tuebingen Variant Classification Criteria Version 2. Collection method: clinical testing. Allele origin: germline. Affected: yes. Observed: 2 variant alleles.
Comment: KCNQ5: BS1

Labcorp Genetics (formerly Invitae), Labcorp
Classification: Likely benign. Last evaluated: 2025-12-13. Review status: criteria provided, single submitter. Criteria: Invitae Variant Classification Sherloc (09022015). Collection method: clinical testing. Allele origin: germline.

Blueprint Genetics
Classification: Likely benign. Last evaluated: 2024-11-07. Review status: criteria provided, single submitter. Criteria: ACMG Guidelines, 2015. Collection method: clinical testing. Allele origin: germline.

PreventionGenetics, part of Exact Sciences
Classification: Likely benign for KCNQ5-related condition. Last evaluated: 2023-01-19. Review status: no assertion criteria provided. Collection method: clinical testing. Allele origin: germline. Not counted in ClinVar's aggregate classification.
Comment: This variant is classified as likely benign based on ACMG/AMP sequence variant interpretation guidelines (Richards et al. 2015 PMID: 25741868, with internal and published modifications).